The following is an entry in ClinVar:

NM_001378454.1(ALMS1):c.3667G>T (p.Gly1223Ter)

Gene: ALMS1 (ALMS1 centrosome and basal body associated protein; plus strand). Cytogenetic location: 2p13.1.
Variant type: single nucleotide variant.
Coding change: c.3667G>T on transcript NM_001378454.1 (MANE Select); coding-DNA position 3667, G replaced by T.
Protein change: p.Gly1223Ter; replaces glycine 1223 with a stop codon.
Molecular consequence: nonsense.
Genome position (GRCh38, 1-based): chr2:73,450,194, G>T. VCF-style: chr2-73450194-G-T. GRCh37 (hg19) VCF-style: chr2-73677321-G-T.
Other names: c.3670G>T, p.Gly1224Ter (NM_015120.4); short protein forms G1223*, G1224*.
Identifiers: ClinVar variation 4815782 (VCV004815782.1).

ClinVar aggregate classification (germline): Likely pathogenic (1 of 4 stars; one submission).

Conditions:
Alstrom syndrome (ALMS). Identifiers: Orphanet 64, MedGen C0268425, MONDO:0008763, OMIM 203800.

Submission:

Natera, Inc.
Classification: Likely pathogenic for Alstrom syndrome. Last evaluated: 2025-08-07. Review status: criteria provided, single submitter. Criteria: Natera Variant Classification Schema (03/2026). Collection method: clinical testing. Allele origin: germline.
Comment: The c.3670G>T variant in ALMS1 is a nonsense variant predicted to introduce a stop codon at amino acid 1224. This variant is expected to result in nonsense mediated decay, truncation, or a dysfunctional protein product. This variant is rare in the general population with a frequency below the threshold expected for the associated phenotype(s). Given the available evidence, this variant is classified as Likely Pathogenic.